The following is an entry in ClinVar:

ClinVar aggregate classification (germline): Conflicting classifications of pathogenicity. Review status: criteria provided, conflicting classifications (1 of 4 stars). 3 submissions from 3 submitters: Likely pathogenic (1); Uncertain significance (1). 1 of the submissions does not count toward it. Last evaluated 2026-03-12.

Conditions:
Intellectual developmental disorder, X-linked, syndromic 33. Also called: X-linked intellectual disability-global development delay-facial dysmorphism-sacral caudal remnant syndrome; Intellectual disability, X-linked, syndromic 33. Identifiers: Orphanet 480907, MedGen C4225418, MONDO:0010500, OMIM 300966.

Submissions (4):

GeneDx
Classification: Likely pathogenic. Last evaluated: 2026-03-12. Review status: criteria provided, single submitter. Criteria: GeneDx Variant Classification Process June 2021. Collection method: clinical testing. Allele origin: germline.
Comment: Not observed at significant frequency in large population cohorts (gnomAD); In silico analysis supports that this missense variant has a deleterious effect on protein structure/function; This variant is associated with the following publications: (PMID: 32396742, 31646703)

Blueprint Genetics
Classification: Uncertain significance. Last evaluated: 2023-10-12. Review status: criteria provided, single submitter. Criteria: ACMG Guidelines, 2015. Collection method: clinical testing. Allele origin: germline.

Genome Medicine, Institute for Basic Research in Developmental Disabilities
Classification: Likely pathogenic for Intellectual developmental disorder, X-linked, syndromic 33. Last evaluated: 2019-09-23. Review status: no assertion criteria provided. Collection method: clinical testing. Allele origin: de novo. Affected: yes. Not counted in ClinVar's aggregate classification.

Dr. Peter K. Rogan Lab, Western University
No classification provided (evidence only). Condition: Thyroid cancer, nonmedullary, 1. Review status: no classification provided. Collection method: in vitro. Allele origin: not applicable. Functional consequence: retained intron. Not counted in ClinVar's aggregate classification.

NM_004606.5(TAF1):c.3700C>T (p.Arg1234Trp)

Gene: TAF1 (TATA-box binding protein associated factor 1; plus strand). Cytogenetic location: Xq13.1.
Variant type: single nucleotide variant.
Coding change: c.3700C>T on transcript NM_004606.5 (MANE Select); coding-DNA position 3700, C replaced by T.
Protein change: p.Arg1234Trp; replaces arginine 1234 with tryptophan.
Molecular consequence: missense variant. On other transcripts: non-coding transcript variant (9).
Genome position (GRCh38, 1-based): chrX:71,398,651, C>T. VCF-style: chrX-71398651-C-T. GRCh37 (hg19) VCF-style: chrX-70618501-C-T.
Other names: NC_000023.10:g.70618501C>T; c.3700C>T, p.Arg1234Trp (NM_001286074.2); c.3637C>T, p.Arg1213Trp (NM_138923.4); short protein forms R1254W, R1234W, R1213W.
Identifiers: ClinVar variation 694248 (VCV000694248.5), dbSNP rs1602538353, ClinGen allele CA413531895.